The following is an entry in ClinVar:

ClinVar aggregate classification (germline): Uncertain significance (1 of 4 stars; one submission).

Conditions:
RASopathy. Also called: Noonan spectrum disorder; rasopathies. Identifiers: Orphanet 536391, MedGen C5555857, MONDO:0021060.

Submission:

Labcorp Genetics (formerly Invitae), Labcorp
Classification: Uncertain significance for RASopathy. Last evaluated: 2024-12-09. Review status: criteria provided, single submitter. Criteria: Invitae Variant Classification Sherloc (09022015). Collection method: clinical testing. Allele origin: germline.
Comment: This sequence change replaces valine, which is neutral and non-polar, with isoleucine, which is neutral and non-polar, at codon 152 of the NRAS protein (p.Val152Ile). This variant is not present in population databases (gnomAD no frequency). This variant has not been reported in the literature in individuals affected with NRAS-related conditions. An algorithm developed to predict the effect of missense changes on protein structure and function (PolyPhen-2) suggests that this variant is likely to be tolerated. In summary, the available evidence is currently insufficient to determine the role of this variant in disease. Therefore, it has been classified as a Variant of Uncertain Significance.

NM_002524.5(NRAS):c.454G>A (p.Val152Ile)

Gene: NRAS (NRAS proto-oncogene, GTPase; minus strand). Cytogenetic location: 1p13.2.
Variant type: single nucleotide variant.
Coding change: c.454G>A on transcript NM_002524.5 (MANE Select); coding-DNA position 454, G replaced by A.
Protein change: p.Val152Ile; replaces valine 152 with isoleucine.
Molecular consequence: missense variant.
Genome position (GRCh38, 1-based): chr1:114,708,651, C>T on the plus strand (G>A on the coding strand, the complement: NRAS is on the minus strand). VCF-style: chr1-114708651-C-T. GRCh37 (hg19) VCF-style: chr1-115251272-C-T.
Other names: short protein forms V152I.
Identifiers: ClinVar variation 3667023 (VCV003667023.2).